The following is an entry in ClinVar:

ClinVar aggregate classification (germline): Uncertain significance. Review status: criteria provided, multiple submitters, no conflicts (2 of 4 stars). 3 submissions from 3 submitters: Uncertain significance (2). 1 of the submissions does not count toward it. Last evaluated 2024-10-28.

Conditions:
Achromatopsia. Also called: Rod monochromatism. Identifiers: Orphanet 49382, MedGen C0152200, MONDO:0018852, HP:0011516.

Allele frequency attached by ClinVar (database versions not stated): ExAC 0.00002; gnomAD exomes 0.00006 and 0.00009; gnomAD 0.00007 and 0.00009; ESP Exome Variant Server 0.00008; TOPMed 0.00008.

Submissions (3):

Blueprint Genetics
Classification: Uncertain significance. Last evaluated: 2024-10-28. Review status: criteria provided, single submitter. Criteria: ACMG Guidelines, 2015. Collection method: clinical testing. Allele origin: germline.

Labcorp Genetics (formerly Invitae), Labcorp
Classification: Uncertain significance. Last evaluated: 2022-09-01. Review status: criteria provided, single submitter. Criteria: Invitae Variant Classification Sherloc (09022015). Collection method: clinical testing. Allele origin: germline.
Comment: This variant, c.1982_1984dup, results in the insertion of 1 amino acid(s) of the CNGB3 protein (p.Asp661_Leu662insHis), but otherwise preserves the integrity of the reading frame. This variant is present in population databases (rs780866922, gnomAD 0.07%). This variant has not been reported in the literature in individuals affected with CNGB3-related conditions. ClinVar contains an entry for this variant (Variation ID: 971418). Experimental studies and prediction algorithms are not available or were not evaluated, and the functional significance of this variant is currently unknown. In summary, the available evidence is currently insufficient to determine the role of this variant in disease. Therefore, it has been classified as a Variant of Uncertain Significance.

Natera, Inc.
Classification: Uncertain significance for Achromatopsia. Last evaluated: 2020-05-05. Review status: no assertion criteria provided. Collection method: clinical testing. Allele origin: germline. Not counted in ClinVar's aggregate classification.

NM_019098.5(CNGB3):c.1982_1984dup (p.Asp661_Leu662insHis)

Gene: CNGB3 (cyclic nucleotide gated channel subunit beta 3; minus strand). Cytogenetic location: 8q21.3.
Variant type: Duplication.
Coding change: c.1982_1984dup on transcript NM_019098.5 (MANE Select); coding-DNA positions 1982 to 1984, 3 bases duplicated (ATC; older notation c.1982_1984dupATC).
Protein change: p.Asp661_Leu662insHis.
Molecular consequence: inframe insertion.
Genome position (GRCh38, 1-based): chr8:86,578,808-86,578,810, GAT duplicated on the plus strand (ATC on the coding strand, the reverse complement: CNGB3 is on the minus strand). VCF-style (leftmost placement, unchanged base first): chr8-86578807-A-AGAT. GRCh37 (hg19) VCF-style: chr8-87591035-A-AGAT.
Identifiers: ClinVar variation 971418 (VCV000971418.5), dbSNP rs780866922, ClinGen allele CA4799831.